The following is an entry in ClinVar:

NM_001999.4(FBN2):c.2878G>A (p.Glu960Lys)

Gene: FBN2 (fibrillin 2; minus strand). Cytogenetic location: 5q23.3.
Variant type: single nucleotide variant.
Coding change: c.2878G>A on transcript NM_001999.4 (MANE Select); coding-DNA position 2878, G replaced by A.
Protein change: p.Glu960Lys; replaces glutamic acid 960 with lysine.
Molecular consequence: missense variant.
Genome position (GRCh38, 1-based): chr5:128,349,458, C>T on the plus strand (G>A on the coding strand, the complement: FBN2 is on the minus strand). VCF-style: chr5-128349458-C-T. GRCh37 (hg19) VCF-style: chr5-127685150-C-T.
Other names: short protein forms E960K.
Identifiers: ClinVar variation 234776 (VCV000234776.2), dbSNP rs876661212, ClinGen allele CA10577323.
Genomic context (GRCh38, chr5:128,349,458, plus strand): 5'-AATGAAAAGATCCCTTACTGTTGACACAGCGTCCATTTGGACAAACGCCAGGGAACACCT[C>T]ACACTCATTAACATCTGCAGGGAAATGCAGCAAGCAGAGGAGCAAAGATGTTACAAATAG-3'
Protein context (NP_001990.2, residues 950-970): GVTCEDVNEC[Glu960Lys]VFPGVCPNGR

ClinVar aggregate classification (germline): Uncertain significance (1 of 4 stars; one submission).

Submission:

GeneDx
Classification: Uncertain significance. Last evaluated: 2016-01-14. Review status: criteria provided, single submitter. Criteria: GeneDx Variant Classification (06012015). Collection method: clinical testing. Allele origin: germline. Affected: yes.
Comment: The E960K variant has not been published as a pathogenic variant, nor has it been reported as a benign variant to our knowledge. This variant was not observed in approximately 6,500 individuals of European and African American ancestry in the NHLBI Exome Sequencing Project, indicating it is not a common benign variant in these populations. The E960K variant is a non-conservative amino acid substitution, which is likely to impact secondary protein structure as these residues differ in polarity, charge, size and/or other properties. This substitution occurs at a position where only amino acids with similar properties to Glutamic acid are tolerated across species. However, while the E960K variant does occur within a calcium-binding EGF-like domain of the FBN2 gene, it does not affect a Cysteine residue. Cysteine substitutions in the calcium-binding EGF-like domains represent the majority of pathogenic missense changes associated with congenital arachnodactyly (Collod-Beroud et al., 2003). In silico analysis is inconsistent in its predictions as to whether or not the variant is damaging to the protein structure/function. Furthermore, no missense variants in nearby residues have been reported in the Human Gene Mutation Database (Stenson et al., 2014), indicating this region of the gene is not known to harbor disease-causing variants. Therefore, based on the currently available information, it is unclear whether this variant is pathogenic or benign.